The following is an entry in ClinVar:

ClinVar aggregate classification (germline): Uncertain significance (1 of 4 stars; one submission).

Submission:

Labcorp Genetics (formerly Invitae), Labcorp
Classification: Uncertain significance. Last evaluated: 2024-05-21. Review status: criteria provided, single submitter. Criteria: Invitae Variant Classification Sherloc (09022015). Collection method: clinical testing. Allele origin: germline.
Comment: This sequence change replaces glycine, which is neutral and non-polar, with aspartic acid, which is acidic and polar, at codon 269 of the KCNK4 protein (p.Gly269Asp). The frequency data for this variant in the population databases is considered unreliable, as metrics indicate poor data quality at this position in the gnomAD database. This variant has not been reported in the literature in individuals affected with KCNK4-related conditions. An algorithm developed to predict the effect of missense changes on protein structure and function (PolyPhen-2) suggests that this variant is likely to be disruptive. In summary, the available evidence is currently insufficient to determine the role of this variant in disease. Therefore, it has been classified as a Variant of Uncertain Significance.

NM_033310.3(KCNK4):c.806G>A (p.Gly269Asp)

Genes: KCNK4 (potassium two pore domain channel subfamily K member 4; plus strand), KCNK4-CATSPERZ (KCNK4-CATSPERZ readthrough (NMD candidate); plus strand). Cytogenetic location: 11q13.1.
Variant type: single nucleotide variant.
Coding change: c.806G>A on transcript NM_033310.3 (MANE Select); coding-DNA position 806, G replaced by A.
Protein change: p.Gly269Asp; replaces glycine 269 with aspartic acid.
Molecular consequence: missense variant. On other transcripts: non-coding transcript variant (3).
Genome position (GRCh38, 1-based): chr11:64,299,350, G>A. VCF-style: chr11-64299350-G-A. GRCh37 (hg19) VCF-style: chr11-64066822-G-A.
Other names: c.806G>A, p.Gly269Asp (NM_001317090.2); short protein forms G269D.
Identifiers: ClinVar variation 3618841 (VCV003618841.2).